The following is an entry in ClinVar:

ClinVar aggregate classification (germline): Conflicting classifications of pathogenicity. Review status: criteria provided, conflicting classifications (1 of 4 stars). 14 submissions from 14 submitters: Uncertain significance (11); Likely benign (2). 1 of the submissions does not count toward it. Last evaluated 2025-11-24.

Conditions:
Breast-ovarian cancer, familial, susceptibility to, 5 (BROVCA5). Identifiers: MedGen C5830615, MONDO:0957530, OMIM 620442.
Hereditary cancer-predisposing syndrome. Also called: Hereditary neoplastic syndrome; Neoplastic Syndromes, Hereditary; Hereditary Cancer Syndrome; Tumor predisposition. Identifiers: Orphanet 140162, MedGen C0027672, MeSH D009386, MONDO:0015356.
Pancreatic cancer, susceptibility to, 3. Identifiers: Orphanet 1333, MedGen C3150547, MONDO:0013236, OMIM 613348.
Fanconi anemia complementation group N. Also called: PALB2-Related Fanconi Anemia. Identifiers: Orphanet 84, MedGen C1835817, MONDO:0012565, OMIM 610832. Disease mechanism: loss of function.
Familial cancer of breast. Also called: BREAST CANCER, FAMILIAL; hereditary breast carcinoma; Hereditary breast cancer. Identifiers: Orphanet 227535, MedGen C0346153, MONDO:0016419, OMIM 114480. Disease mechanism: loss of function.
Hereditary breast ovarian cancer syndrome. Also called: Breast and ovarian cancer; Hereditary breast and ovarian cancer syndrome; Hereditary breast and/or ovarian cancer syndrome; Hereditary breast and ovarian cancer syndrome (HBOC); Hereditary breast and ovarian cancer; BRCA1- and BRCA2-Associated Hereditary Breast and Ovarian Cancer. Identifiers: Orphanet 145, MedGen C0677776, MeSH D061325, MONDO:0003582. Disease mechanism: loss of function.

Allele frequency attached by ClinVar (database versions not stated): ExAC 0.00001; gnomAD 0.00001; gnomAD exomes 0.00001 and 0.00002; TOPMed 0.00002.
gnomAD v4.1: 8 of 1,613,914 alleles (0.0005%); highest among the groups gnomAD compares: Admixed American, 0.0083%; no homozygotes.

Submissions (14):

Labcorp Genetics (formerly Invitae), Labcorp
Classification: Uncertain significance for Familial cancer of breast. Last evaluated: 2025-11-24. Review status: criteria provided, single submitter. Criteria: Invitae Variant Classification Sherloc (09022015). Collection method: clinical testing. Allele origin: germline.
Comment: This sequence change replaces lysine, which is basic and polar, with glutamic acid, which is acidic and polar, at codon 43 of the PALB2 protein (p.Lys43Glu). This variant is present in population databases (rs765125459, gnomAD 0.01%). This missense change has been observed in individual(s) with breast cancer (PMID: 25186627). ClinVar contains an entry for this variant (Variation ID: 410107). An algorithm developed to predict the effect of missense changes on protein structure and function (PolyPhen-2) suggests that this variant is likely to be disruptive. In summary, the available evidence is currently insufficient to determine the role of this variant in disease. Therefore, it has been classified as a Variant of Uncertain Significance.

Laboratorio de I+D, Fundación Centro Médico de Asturias
Classification: Likely benign for Hereditary breast ovarian cancer syndrome. Last evaluated: 2025-07-13. Review status: criteria provided, single submitter. Criteria: ACMG Guidelines, 2015. Collection method: clinical testing. Allele origin: germline.
Comment: BP1+BP4+PM2_Supporting

Ambry Genetics
Classification: Uncertain significance for Hereditary cancer-predisposing syndrome. Last evaluated: 2025-06-25. Review status: criteria provided, single submitter. Criteria: Ambry Variant Classification Scheme 2023. Collection method: clinical testing. Allele origin: germline.
Comment: The p.K43E variant (also known as c.127A>G), located in coding exon 3 of the PALB2 gene, results from an A to G substitution at nucleotide position 127. The lysine at codon 43 is replaced by glutamic acid, an amino acid with similar properties. One study detected this alteration in 1/2158 women with breast cancer who underwent multigene panel testing (Tung N et al. Cancer, 2015 Jan;121:25-33). This amino acid position is well conserved in available vertebrate species. In addition, this alteration is predicted to be tolerated by in silico analysis. Since supporting evidence is limited at this time, the clinical significance of this alteration remains unclear.

Dasa
Classification: Uncertain significance for Breast-ovarian cancer, familial, susceptibility to, 5. Last evaluated: 2025-05-08. Review status: criteria provided, single submitter. Criteria: DASA Assertion Criteria. Collection method: clinical testing. Allele origin: germline.
Comment: NM_024675.4(PALB2):c.127A>G (p.Lys43Glu) is a missense variant that results in the substitution of lysine with glutamic acid. This variant is rare in population databases. The currently available literature and clinical evidence are not sufficient to establish a definitive association between this variant and the reported condition. Therefore, this variant is classified as a variant of uncertain significance.

Molecular Pathology, Peter Maccallum Cancer Centre
Classification: Uncertain significance for Familial cancer of breast. Last evaluated: 2025-03-06. Review status: criteria provided, single submitter. Criteria: ACMG Guidelines, 2015. Collection method: clinical testing. Allele origin: germline. Inheritance: Autosomal dominant inheritance.

Baylor Genetics
Classification: Uncertain significance for Familial cancer of breast. Last evaluated: 2023-12-28. Review status: criteria provided, single submitter. Criteria: ACMG Guidelines, 2015. Collection method: clinical testing. Allele origin: unknown.

Myriad Genetics, Inc.
Classification: Likely benign for Familial cancer of breast. Last evaluated: 2023-11-06. Review status: criteria provided, single submitter. Criteria: Myriad Autosomal Dominant, Autosomal Recessive and X-Linked Classification Criteria (2023). Collection method: clinical testing. Allele origin: unknown.
Comment: This variant is considered likely benign. This variant is strongly associated with less severe personal and family histories of cancer, typical for individuals without pathogenic variants in this gene [PMID: 25085752].

Quest Diagnostics Nichols Institute San Juan Capistrano
Classification: Uncertain significance. Last evaluated: 2023-08-03. Review status: criteria provided, single submitter. Criteria: Quest Diagnostics criteria. Collection method: clinical testing. Allele origin: unknown.
Comment: In the published literature, this variant has been reported in individuals with breast cancer (PMIDs: 25186627 (2015), 33471991 (2021), see also LOVD). The frequency of this variant in the general population, 0.00012 (4/34588 chromosomes (Genome Aggregation Database)), is uninformative in the assessment of its pathogenicity. Analysis of this variant using bioinformatics tools for the prediction of the effect of amino acid changes on protein structure and function yielded conflicting predictions that this variant is benign or damaging. Based on the available information, we are unable to determine the clinical significance of this variant.

Blueprint Genetics
Classification: Uncertain significance. Last evaluated: 2022-01-04. Review status: criteria provided, single submitter. Criteria: ACMG Guidelines, 2015. Collection method: clinical testing. Allele origin: germline.

Fulgent Genetics
Classification: Uncertain significance for Familial cancer of breast; Fanconi anemia complementation group N; Pancreatic cancer, susceptibility to, 3. Last evaluated: 2021-10-19. Review status: criteria provided, single submitter. Criteria: ACMG Guidelines, 2015. Collection method: clinical testing. Allele origin: unknown.

Color Diagnostics, LLC DBA Color Health
Classification: Uncertain significance for Hereditary cancer-predisposing syndrome. Last evaluated: 2020-03-05. Review status: criteria provided, single submitter. Criteria: ACMG Guidelines, 2015. Collection method: clinical testing. Allele origin: germline.
Comment: This missense variant replaces lysine with glutamic acid at codon 43 of the PALB2 protein. Computational prediction suggests that this variant may not impact protein structure and function (internally defined REVEL score threshold <= 0.5, PMID: 27666373). Splice site prediction tools suggest that this variant may not impact RNA splicing. To our knowledge, functional studies have not been reported for this variant. This variant has been reported in an individual affected with breast cancer (PMID: 25186627). This variant has been identified in 5/251466 chromosomes in the general population by the Genome Aggregation Database (gnomAD). The available evidence is insufficient to determine the role of this variant in disease conclusively. Therefore, this variant is classified as a Variant of Uncertain Significance.

GeneDx
Classification: Uncertain significance. Last evaluated: 2018-09-25. Review status: criteria provided, single submitter. Criteria: GeneDx Variant Classification (06012015). Collection method: clinical testing. Allele origin: germline. Affected: yes.
Comment: This variant is denoted PALB2 c.127A>G at the cDNA level, p.Lys43Glu (K43E) at the protein level, and results in the change of a Lysine to a Glutamic Acid (AAG>GAG). This variant has been observed in at least one individual with breast cancer (Tung 2015). PALB2 Lys43Glu was not observed at a significant allele frequency in large population cohorts (Lek 2016). This variant is located within the region that interacts with BRCA1 and RAD51 (Sy 2009, Buisson 2010). In silico analysis, which includes protein predictors and evolutionary conservation, supports that this variant does not alter protein structure/function. Based on currently available evidence, it is unclear whether PALB2 Lys43Glu is a pathogenic or benign variant. We consider it to be a variant of uncertain significance.

PreventionGenetics, part of Exact Sciences
Classification: Uncertain significance. Last evaluated: 2016-12-19. Review status: criteria provided, single submitter. Criteria: ACMG Guidelines, 2015. Collection method: clinical testing. Allele origin: germline.

Leiden Open Variation Database
Classification: Uncertain significance for Familial cancer of breast. Last evaluated: 2019-05-13. Review status: no assertion criteria provided. Collection method: curation. Allele origin: germline. Affected: yes. Not counted in ClinVar's aggregate classification.
Comment: Curators: Marc Tischkowitz, Arleen D. Auerbach. Submitter to LOVD: Marc Tischkowitz.

Literature cited by the submitters: PubMed 25186627 (cited by 4 submitters); PubMed 25085752 (cited by Myriad Genetics, Inc.); PubMed 33471991 (cited by Quest Diagnostics Nichols Institute San Juan Capistrano).

NM_024675.4(PALB2):c.127A>G (p.Lys43Glu)

Gene: PALB2 (partner and localizer of BRCA2; minus strand). Cytogenetic location: 16p12.2.
Variant type: single nucleotide variant.
Coding change: c.127A>G on transcript NM_024675.4 (MANE Select); coding-DNA position 127, A replaced by G.
Protein change: p.Lys43Glu; replaces lysine 43 with glutamic acid.
Molecular consequence: missense variant.
Genome position (GRCh38, 1-based): chr16:23,637,934, T>C on the plus strand (A>G on the coding strand, the complement: PALB2 is on the minus strand). VCF-style: chr16-23637934-T-C. GRCh37 (hg19) VCF-style: chr16-23649255-T-C.
Other names: short protein forms K43E.
Identifiers: ClinVar variation 410107 (VCV000410107.32), dbSNP rs765125459, ClinGen allele CA7963836.